The following is an entry in ClinVar:

NM_018489.3(ASH1L):c.2134dup (p.Arg712fs)

Gene: ASH1L (ASH1 like histone lysine methyltransferase; minus strand). Cytogenetic location: 1q22.
Variant type: Duplication.
Coding change: c.2134dup on transcript NM_018489.3 (MANE Select); coding-DNA position 2134, one base duplicated (A; older notation c.2134dupA).
Protein change: p.Arg712fs; shifts the reading frame from arginine 712.
Molecular consequence: frameshift variant.
Genome position (GRCh38, 1-based): chr1:155,480,736, T duplicated on the plus strand (A on the coding strand, the reverse complement: ASH1L is on the minus strand); the first of 8 consecutive T bases (chr1:155,480,736-155,480,743); duplicating any one gives the same sequence. VCF-style (leftmost placement, unchanged base first): chr1-155480735-C-CT. GRCh37 (hg19) VCF-style: chr1-155450526-C-CT.
Other names: c.2134dup, p.Arg712fs (NM_001366177.2); short protein forms R712fs.
Identifiers: ClinVar variation 1677665 (VCV001677665.3), dbSNP rs1558150870, ClinGen allele CA645537298.
Genomic context (GRCh38, chr1:155,480,735, plus strand): 5'-TTTGGAGACCGGCATGTGCTTCTTGCCACCACTTTAGTCCACCGAGGTTTTCTTCCTTTT[C>CT]TTTTTTTTAATGGTTTGGACTGCAAACTAGTACTTAGGCTTTCAGCAACTTGGCAGTGTT-3'

ClinVar aggregate classification (germline): Pathogenic/Likely pathogenic. Review status: criteria provided, multiple submitters, no conflicts (2 of 4 stars). 3 submissions from 3 submitters: Pathogenic (1); Likely pathogenic (2). Last evaluated 2023-04-11.

Conditions:
Intellectual developmental disorder, autosomal dominant 52. Also called: Intellectual disability, autosomal dominant 52; Mental retardation, autosomal dominant 52. Identifiers: MedGen C4540478, MONDO:0030918, OMIM 617796.

Submissions (3):

Genome-Nilou Lab
Classification: Likely pathogenic for Intellectual developmental disorder, autosomal dominant 52. Last evaluated: 2023-04-11. Review status: criteria provided, single submitter. Criteria: ACMG Guidelines, 2015. Collection method: clinical testing. Allele origin: germline. Affected: no.

GeneDx
Classification: Pathogenic. Last evaluated: 2022-06-16. Review status: criteria provided, single submitter. Criteria: GeneDx Variant Classification Process June 2021. Collection method: clinical testing. Allele origin: germline. Affected: yes.
Comment: Identified in an individual with Tourette syndrome in published literature, however clinical and familial segregation information was not provided (Liu et al, 2020); Frameshift variant predicted to result in protein truncation or nonsense mediated decay in a gene for which loss of function is a known mechanism of disease; Not observed at significant frequency in large population cohorts (gnomAD); This variant is associated with the following publications: (PMID: 31673123)

AiLife Diagnostics
Classification: Likely pathogenic. Last evaluated: 2020-06-17. Review status: criteria provided, single submitter. Criteria: ACMG Guidelines, 2015. Collection method: clinical testing. Allele origin: germline. Affected: yes. Observed: 1 variant allele.